The following is an entry in ClinVar:

NM_000392.5(ABCC2):c.2114C>T (p.Pro705Leu)

Gene: ABCC2 (ATP binding cassette subfamily C member 2; plus strand). Cytogenetic location: 10q24.2.
Variant type: single nucleotide variant.
Coding change: c.2114C>T on transcript NM_000392.5 (MANE Select); coding-DNA position 2114, C replaced by T.
Protein change: p.Pro705Leu; replaces proline 705 with leucine.
Molecular consequence: missense variant.
Genome position (GRCh38, 1-based): chr10:99,817,327, C>T. VCF-style: chr10-99817327-C-T. GRCh37 (hg19) VCF-style: chr10-101577084-C-T.
Other names: short protein forms P705L.
Identifiers: ClinVar variation 3354689 (VCV003354689.1).

ClinVar aggregate classification (germline): Uncertain significance (0 of 4 stars; one submission).

Conditions:
ABCC2-related disorder. Also called: ABCC2-related condition.

Submission:

PreventionGenetics, part of Exact Sciences
Classification: Uncertain significance for ABCC2-related condition. Last evaluated: 2024-03-25. Review status: no assertion criteria provided. Collection method: clinical testing. Allele origin: germline.
Comment: The ABCC2 c.2114C>T variant is predicted to result in the amino acid substitution p.Pro705Leu. To our knowledge, this variant has not been reported in the literature or in a large population database, indicating this variant is rare. At this time, the clinical significance of this variant is uncertain due to the absence of conclusive functional and genetic evidence.